The following is an entry in ClinVar:

NM_001382430.1(AKT1):c.201_230dup (p.Arg76_Cys77insTrpProArgProAsnThrPheIleIleArg)

Gene: AKT1 (AKT serine/threonine kinase 1; minus strand). Cytogenetic location: 14q32.33.
Variant type: Duplication.
Coding change: c.201_230dup on transcript NM_001382430.1 (MANE Select); coding-DNA positions 201 to 230, 30 bases duplicated (GCCCCGGCCCAACACCTTCATCATCCGCTG).
Protein change: p.Arg76_Cys77insTrpProArgProAsnThrPheIleIleArg.
Genome position (GRCh38, 1-based): chr14:104,776,716-104,776,745, CAGCGGATGATGAAGGTGTTGGGCCGGGGC duplicated on the plus strand (GCCCCGGCCCAACACCTTCATCATCCGCTG on the coding strand, the reverse complement: AKT1 is on the minus strand); duplicating any 30 consecutive bases within chr14:104,776,716-104,776,746 gives the same sequence; the c. name uses the placement nearest the transcript's 3' end. VCF-style (leftmost placement, unchanged base first): chr14-104776715-G-GCAGCGGATGATGAAGGTGTTGGGCCGGGGC. GRCh37 (hg19) VCF-style: chr14-105243052-G-GCAGCGGATGATGAAGGTGTTGGGCCGGGGC.
Other names: c.201_230dup, p.Arg76_Cys77insTrpProArgProAsnThrPheIleIleArg (NM_001014431.2, NM_001014432.2, NM_001382431.1 and 3 more transcripts).
Identifiers: ClinVar variation 4530179 (VCV004530179.1).

ClinVar aggregate classification (somatic clinical impact): Tier I - Strong (1 of 4 stars; one submission).

Conditions:
Juvenile type testicular granulosa cell tumor. Identifiers: MedGen C1515285, MONDO:0003741, HP:0034380.

Submission:

Institute for Genomic Medicine (IGM) Clinical Laboratory, Nationwide Children's Hospital
Classification: Tier I - Strong for Juvenile type testicular granulosa cell tumor. Assertion type: diagnostic. Clinical significance: supports diagnosis. Last evaluated: 2023-05-25. Review status: criteria provided, single submitter. Criteria: AMP/ASCO/CAP Guidelines, 2017. Collection method: clinical testing. Allele origin: somatic. Affected: yes.
Comment: Variant has Tier I (strong) clinical significance as a diagnostic inclusion criterion in juvenile type testicular granulosa cell tumor, based on the following evidence: 1) Documented in one or more cancer databases (e.g., St. Jude Pecan, COSMIC, CIViC, OncoKB). 2) Appears in one or more well-established professional guidelines (e.g., World Health Organization [WHO]; National Comprehensive Cancer Network [NCCN]) as providing diagnostic, prognostic, or therapeutic information. 3) Information in the literature supports potential biologic effect of variant (PMIDs: 26137586, 35440569, 29247016). 4) Diagnostic for a specific tumor type/classification based on well-powered studies with expert-level consensus (Evidence Level B; PMID: 26137586).

Literature cited by the submitters: PubMed 26137586; PubMed 35440569; PubMed 29247016.